The following is an entry in ClinVar:

NM_001375380.1(EBF3):c.422A>G (p.Tyr141Cys)

Gene: EBF3 (EBF transcription factor 3; minus strand). Cytogenetic location: 10q26.3.
Variant type: single nucleotide variant.
Coding change: c.422A>G on transcript NM_001375380.1 (MANE Select); coding-DNA position 422, A replaced by G.
Protein change: p.Tyr141Cys; replaces tyrosine 141 with cysteine.
Molecular consequence: missense variant.
Genome position (GRCh38, 1-based): chr10:129,958,997, T>C on the plus strand (A>G on the coding strand, the complement: EBF3 is on the minus strand). VCF-style: chr10-129958997-T-C. GRCh37 (hg19) VCF-style: chr10-131757261-T-C.
Other names: NM_001375380.1(EBF3):c.422A>G; p.Tyr141Cys; c.422A>G, p.Tyr141Cys (NM_001005463.3, NM_001375379.1, NM_001375389.1 and 3 more transcripts); short protein forms Y141C.
Identifiers: ClinVar variation 375497 (VCV000375497.16), dbSNP rs1057519519, ClinGen allele CA16044298.

ClinVar aggregate classification (germline): Pathogenic/Likely pathogenic. Review status: criteria provided, multiple submitters, no conflicts (2 of 4 stars). 9 submissions from 9 submitters: Pathogenic (7); Likely pathogenic (1). 1 of the submissions does not count toward it. Last evaluated 2026-04-03.

Conditions:
Hypotonia, ataxia, and delayed development syndrome (HADDS). Also called: EBF3 Neurodevelopmental Disorder. Identifiers: Orphanet 658843, MedGen C4310618, MONDO:0015021, OMIM 617330.
EBF3-related disorder. Identifiers: MedGen CN239924.
Inborn genetic diseases. Identifiers: MedGen C0950123, MeSH D030342.

Allele frequency attached by ClinVar (database versions not stated): gnomAD exomes below 0.00001.
gnomAD v4.1: 1 of 1,598,878 alleles (0.000063%); highest among the groups gnomAD compares: Non-Finnish European, 0.000085%; no homozygotes.

Submissions (9):

Ambry Genetics
Classification: Pathogenic for Inborn genetic diseases. Last evaluated: 2026-04-03. Review status: criteria provided, single submitter. Criteria: Ambry Variant Classification Scheme 2023. Collection method: clinical testing. Allele origin: germline.
Comment: The c.422A>G (p.Y141C) alteration is located in coding exon 5 of the EBF3 gene. This alteration results from an A to G substitution at nucleotide position 422, causing the tyrosine (Y) at amino acid position 141 to be replaced by a cysteine (C). This variant was not reported in population-based cohorts in the Genome Aggregation Database (gnomAD). This variant was reported in individual(s) with features consistent with EBF3-related neurodevelopmental disorder; in at least one individual, it was determined to be de novo (Harms, 2017; Zhu, 2023). This amino acid position is highly conserved in available vertebrate species. This missense variant is located in a region that has a low rate of benign missense variation (Lek, 2016; Firth, 2009). In an assay testing EBF3 function, this variant showed a functionally abnormal result (Harms, 2017). This alteration is predicted to be deleterious by in silico analysis. Based on the available evidence, this alteration is classified as pathogenic.

Variantyx, Inc.
Classification: Pathogenic for Hypotonia, ataxia, and delayed development syndrome. Last evaluated: 2025-04-16. Review status: criteria provided, single submitter. Criteria: Variantyx Assertion Criteria 2022. Collection method: clinical testing. Allele origin: de novo. Inheritance: Autosomal dominant inheritance. Affected: yes.
Comment: This is a nonsynonymous variant in the EBF3 gene (OMIM: 607407). Pathogenic variants in this gene have been associated with autosomal dominant hypotonia, ataxia, and delayed development syndrome (HADDS). This variant has been reported in unrelated affected individuals, and has likely occurred de novo in the current proband and in individuals reported in the published literature, however, the possibility of parental germline mosaicism cannot be excluded (PMID: 28017373, 36937983, 37090941, 30577886, internal data) (PS2_Very_Strong; PS4_Moderate). Multiple computational algorithms predict a deleterious effect for this variant (REVEL score: 0.651) (PP3). This variant has a 0.0003% maximum allele frequency in non-founder control populations (PM2). Based on the current evidence, this variant is classified as pathogenic for autosomal dominant hypotonia, ataxia, and delayed development syndrome (HADDS).

Broad Center for Mendelian Genomics, Broad Institute of MIT and Harvard
Classification: Likely pathogenic for Hypotonia, ataxia, and delayed development syndrome. Last evaluated: 2023-01-24. Review status: criteria provided, single submitter. Criteria: ACMG Guidelines, 2015. Collection method: curation. Allele origin: germline. Inheritance: Autosomal dominant inheritance.
Comment: Trio exome analysis showed this variant to be de novo. The p.Tyr141Cys variant in EBF3 has been previously reported in one individual with hypotonia, ataxia, and delayed development syndrome (HADDS). This variant was found to be de novo in this individual with confirmed paternity and maternity (PMID: 28017373). This variant has also been reported in ClinVar (Variation ID:375497) and has been interpreted as pathogenic by Mendelics, Invitae, Suma Genomics, Leipzig Medical Center Institute of Human Genetics, and OMIM, and as likely pathogenic by Ambry Genetics. This variant was absent from large population studies. The number of missense variants reported in EBF3 in the general population is lower than expected, suggesting there is little benign variation in this gene and slightly increasing the possibility that a missense variant in this gene may not be tolerated. In vitro functional studies provide some evidence that the p.Tyr141Cys variant may impact protein function (PMID: 28017373). However, these types of assays may not accurately represent biological function. Computational prediction tools and conservation analyses do not provide strong support for or against an impact to the protein. In summary, although additional studies are required to fully establish its clinical significance, this variant is likely pathogenic for autosomal dominant hypotonia, ataxia, and delayed development syndrome (HADDS). ACMG/AMP Criteria applied: PS2, PS3_Supporting, PS4_Supporting, PM2_Supporting, PP2 (Richards 2015).

Institute of Human Genetics, University of Leipzig Medical Center
Classification: Pathogenic for Hypotonia, ataxia, and delayed development syndrome. Last evaluated: 2022-06-28. Review status: criteria provided, single submitter. Criteria: ACMG Guidelines, 2015. Collection method: clinical testing. Allele origin: unknown. Affected: yes.
Comment: _x000D_ Criteria applied: PS3, PS2_MOD, PS4_MOD, PM2_SUP, PP2, PP3

Labcorp Genetics (formerly Invitae), Labcorp
Classification: Pathogenic. Last evaluated: 2021-09-02. Review status: criteria provided, single submitter. Criteria: Invitae Variant Classification Sherloc (09022015). Collection method: clinical testing. Allele origin: germline.

Blueprint Genetics
Classification: Pathogenic for EBF3-related disorders. Last evaluated: 2021-08-30. Review status: criteria provided, single submitter. Criteria: ACMG Guidelines, 2015. Collection method: clinical testing. Allele origin: de novo. Affected: yes. Observed: 2 variant alleles.

Mendelics
Classification: Pathogenic for Hypotonia, ataxia, and delayed development syndrome. Last evaluated: 2019-05-28. Review status: criteria provided, single submitter. Criteria: Mendelics Assertion Criteria 2017. Collection method: clinical testing. Allele origin: unknown.

Suma Genomics
Classification: Pathogenic for Hypotonia, ataxia, and delayed development syndrome. Review status: criteria provided, single submitter. Criteria: ACMG Guidelines, 2015. Collection method: clinical testing. Allele origin: de novo. Inheritance: Autosomal dominant inheritance. Affected: yes.

OMIM
Classification: Pathogenic for HYPOTONIA, ATAXIA, AND DELAYED DEVELOPMENT SYNDROME. Last evaluated: 2017-02-07. Review status: no assertion criteria provided. Collection method: literature only. Allele origin: germline. Not counted in ClinVar's aggregate classification.

Literature cited by the submitters: PubMed 28017373 (cited by 3 submitters); PubMed 36937983 (cited by Ambry Genetics and Variantyx, Inc.); PubMed 37090941 (cited by Variantyx, Inc.); PubMed 30577886 (cited by Variantyx, Inc.).